The following is an entry in ClinVar:

ClinVar aggregate classification (germline): Uncertain significance (1 of 4 stars; one submission).

Conditions:
Familial cancer of breast. Also called: BREAST CANCER, FAMILIAL; Hereditary breast cancer; hereditary breast carcinoma. Identifiers: Orphanet 227535, MedGen C0346153, MONDO:0016419, OMIM 114480. Disease mechanism: loss of function.

Submission:

Labcorp Genetics (formerly Invitae), Labcorp
Classification: Uncertain significance for Familial cancer of breast. Last evaluated: 2016-04-06. Review status: criteria provided, single submitter. Criteria: Invitae Variant Classification Sherloc (09022015). Collection method: clinical testing. Allele origin: germline.
Comment: In summary, this variant is a novel missense change that is not predicted to affect protein function. There is no indication that it causes disease, but the available evidence is currently insufficient to prove that conclusively. Therefore, it has been classified as a Variant of Uncertain Significance. This variant is not present in population databases (ExAC no frequency) and has not been reported in the literature in individuals with a PALB2-related disease. Algorithms developed to predict the effect of missense changes on protein structure and function (SIFT, PolyPhen-2, Align-GVGD) all suggest that this variant is likely to be tolerated, but these predictions have not been confirmed by published functional studies. This sequence change replaces methionine with leucine at codon 875 of the PALB2 protein (p.Met875Leu). The methionine residue is moderately conserved and there is a small physicochemical difference between methionine and leucine.

NM_024675.4(PALB2):c.2623A>T (p.Met875Leu)

Gene: PALB2 (partner and localizer of BRCA2; minus strand). Cytogenetic location: 16p12.2.
Variant type: single nucleotide variant.
Coding change: c.2623A>T on transcript NM_024675.4 (MANE Select); coding-DNA position 2623, A replaced by T.
Protein change: p.Met875Leu; replaces methionine 875 with leucine.
Molecular consequence: missense variant.
Genome position (GRCh38, 1-based): chr16:23,626,361, T>A on the plus strand (A>T on the coding strand, the complement: PALB2 is on the minus strand). VCF-style: chr16-23626361-T-A. GRCh37 (hg19) VCF-style: chr16-23637682-T-A.
Other names: short protein forms M875L.
Identifiers: ClinVar variation 410130 (VCV000410130.9), dbSNP rs1060502750, ClinGen allele CA16614864.
Genomic context (GRCh38, chr16:23,626,361, plus strand): 5'-CTACATCTTCGCAAGCAGTTATGATACATGGCTCTTTACAACCGGCTCTTTCCCAAAACA[T>A]GGCACTCACATCTACGGAACAGGAACCTGAAGGATTCTGACACAATGGCAACAGTTCTGT-3'
Protein context (NP_078951.2, residues 865-885): SGSCSVDVSA[Met875Leu]FWERAGCKEP